The following is an entry in ClinVar:

NM_006030.4(CACNA2D2):c.1756G>A (p.Asp586Asn)

Gene: CACNA2D2 (calcium voltage-gated channel auxiliary subunit alpha2delta 2; minus strand). Cytogenetic location: 3p21.31.
Variant type: single nucleotide variant.
Coding change: c.1756G>A on transcript NM_006030.4 (MANE Select); coding-DNA position 1756, G replaced by A.
Protein change: p.Asp586Asn; replaces aspartic acid 586 with asparagine.
Molecular consequence: missense variant.
Genome position (GRCh38, 1-based): chr3:50,375,980, C>T on the plus strand (G>A on the coding strand, the complement: CACNA2D2 is on the minus strand). VCF-style: chr3-50375980-C-T. GRCh37 (hg19) VCF-style: chr3-50413411-C-T.
Other names: c.1756G>A, p.Asp586Asn (NM_001005505.3, NM_001174051.3, NM_001410768.1); c.1549G>A, p.Asp517Asn (NM_001291101.1); short protein forms D586N, D517N.
Identifiers: ClinVar variation 2066771 (VCV002066771.2), dbSNP rs773775694, ClinGen allele CA2418745.

ClinVar aggregate classification (germline): Uncertain significance (1 of 4 stars; one submission).

Conditions:
Developmental and epileptic encephalopathy. Identifiers: MedGen C5779964, MONDO:0100620.

Allele frequency attached by ClinVar (database versions not stated): ExAC 0.00001; gnomAD exomes 0.00001.
gnomAD v4.1: 17 of 1,613,336 alleles (0.0011%); highest among the groups gnomAD compares: Admixed American, 0.0033%; no homozygotes.

Submission:

Labcorp Genetics (formerly Invitae), Labcorp
Classification: Uncertain significance for Early-infantile DEE. Last evaluated: 2022-01-12. Review status: criteria provided, single submitter. Criteria: Invitae Variant Classification Sherloc (09022015). Collection method: clinical testing. Allele origin: germline.
Comment: In summary, the available evidence is currently insufficient to determine the role of this variant in disease. Therefore, it has been classified as a Variant of Uncertain Significance. Algorithms developed to predict the effect of missense changes on protein structure and function are either unavailable or do not agree on the potential impact of this missense change (SIFT: "Deleterious"; PolyPhen-2: "Probably Damaging"; Align-GVGD: "Class C0"). This variant has not been reported in the literature in individuals affected with CACNA2D2-related conditions. This variant is present in population databases (rs773775694, gnomAD 0.0009%). This sequence change replaces aspartic acid, which is acidic and polar, with asparagine, which is neutral and polar, at codon 586 of the CACNA2D2 protein (p.Asp586Asn).